The following is an entry in ClinVar:

NM_020975.6(RET):c.2932G>C (p.Glu978Gln)

Gene: RET (ret proto-oncogene; plus strand). Cytogenetic location: 10q11.21.
Variant type: single nucleotide variant.
Coding change: c.2932G>C on transcript NM_020975.6 (MANE Select); coding-DNA position 2932, G replaced by C.
Protein change: p.Glu978Gln; replaces glutamic acid 978 with glutamine.
Molecular consequence: missense variant.
Genome position (GRCh38, 1-based): chr10:43,123,801, G>C. VCF-style: chr10-43123801-G-C. GRCh37 (hg19) VCF-style: chr10-43619249-G-C.
Other names: c.2932G>C, p.Glu978Gln (NM_000323.2, NM_001406743.1, NM_001406744.1 and 4 more transcripts); c.2170G>C, p.Glu724Gln (NM_001355216.2); c.2644G>C, p.Glu882Gln (NM_001406770.1, NM_001406766.1, NM_001406767.1); c.2494G>C, p.Glu832Gln (NM_001406771.1, NM_001406773.1); c.2536G>C, p.Glu846Gln (NM_001406772.1, NM_001406769.1); c.2407G>C, p.Glu803Gln (NM_001406774.1); c.2206G>C, p.Glu736Gln (NM_001406775.1, NM_001406776.1, NM_001406777.1 and 1 more transcripts); c.1747G>C, p.Glu583Gln (NM_001406789.1, NM_001406790.1, NM_001406788.1); and 10 more; short protein forms E583Q, E634Q, E933Q, E978Q, E639Q, E724Q, E803Q, E736Q.
Identifiers: ClinVar variation 2797784 (VCV002797784.3), dbSNP rs758800351, ClinGen allele CA376557991.

ClinVar aggregate classification (germline): Uncertain significance (1 of 4 stars; one submission).

Conditions:
Multiple endocrine neoplasia, type 2 (MEN2). Identifiers: Orphanet 653, MedGen C4048306, MONDO:0019003. Disease mechanism: gain of function.

Submission:

Labcorp Genetics (formerly Invitae), Labcorp
Classification: Uncertain significance for Multiple endocrine neoplasia, type 2. Last evaluated: 2023-12-30. Review status: criteria provided, single submitter. Criteria: Invitae Variant Classification Sherloc (09022015). Collection method: clinical testing. Allele origin: germline.
Comment: This sequence change replaces glutamic acid, which is acidic and polar, with glutamine, which is neutral and polar, at codon 978 of the RET protein (p.Glu978Gln). This variant is not present in population databases (gnomAD no frequency). This variant has not been reported in the literature in individuals affected with RET-related conditions. An algorithm developed to predict the effect of missense changes on protein structure and function (PolyPhen-2) suggests that this variant is likely to be tolerated. In summary, the available evidence is currently insufficient to determine the role of this variant in disease. Therefore, it has been classified as a Variant of Uncertain Significance.